The following is an entry in ClinVar:

NM_133497.4(KCNV2):c.786C>T (p.Ile262=)

Gene: KCNV2 (potassium voltage-gated channel modifier subfamily V member 2; plus strand). Cytogenetic location: 9p24.2.
Variant type: single nucleotide variant.
Coding change: c.786C>T on transcript NM_133497.4 (MANE Select); coding-DNA position 786, C replaced by T.
Protein change: p.Ile262=; no amino-acid change (isoleucine 262 retained).
Molecular consequence: synonymous variant.
Genome position (GRCh38, 1-based): chr9:2,718,525, C>T. VCF-style: chr9-2718525-C-T. GRCh37 (hg19) VCF-style: chr9-2718525-C-T.
Other names: c.786C>T (NM_133497.3).
Identifiers: ClinVar variation 1929025 (VCV001929025.6), dbSNP rs778059772, ClinGen allele CA4965625.

ClinVar aggregate classification (germline): Likely benign. Review status: criteria provided, multiple submitters, no conflicts (2 of 4 stars). 2 submissions from 2 submitters: Likely benign (2). Last evaluated 2026-06-06.

Conditions:
KCNV2-related disorder. Also called: KCNV2-related condition.

Allele frequency attached by ClinVar (database versions not stated): ExAC 0.00003; gnomAD 0.00004; TOPMed 0.00006.

Submissions (2):

PreventionGenetics, part of Exact Sciences
Classification: Likely benign for KCNV2-related condition. Last evaluated: 2026-06-06. Review status: criteria provided, single submitter. Criteria: ACMG Guidelines, 2015. Collection method: clinical testing. Allele origin: germline.
Comment: This variant is classified as likely benign based on ACMG/AMP sequence variant interpretation guidelines (Richards et al. 2015 PMID: 25741868, with internal and published modifications).

Labcorp Genetics (formerly Invitae), Labcorp
Classification: Likely benign. Last evaluated: 2022-10-04. Review status: criteria provided, single submitter. Criteria: Invitae Variant Classification Sherloc (09022015). Collection method: clinical testing. Allele origin: germline.